The following is an entry in ClinVar:

NM_015512.5(DNAH1):c.6004C>T (p.Arg2002Cys)

Gene: DNAH1 (dynein axonemal heavy chain 1; plus strand). Cytogenetic location: 3p21.1.
Variant type: single nucleotide variant.
Coding change: c.6004C>T on transcript NM_015512.5 (MANE Select); coding-DNA position 6004, C replaced by T.
Protein change: p.Arg2002Cys; replaces arginine 2002 with cysteine.
Molecular consequence: missense variant.
Genome position (GRCh38, 1-based): chr3:52,369,885, C>T. VCF-style: chr3-52369885-C-T. GRCh37 (hg19) VCF-style: chr3-52403901-C-T.
Other names: c.6004C>T (NM_015512.4); short protein forms R2002C.
Identifiers: ClinVar variation 2153057 (VCV002153057.5), dbSNP rs777783467, ClinGen allele CA2434395.

ClinVar aggregate classification (germline): Uncertain significance. Review status: criteria provided, single submitter (1 of 4 stars). 2 submissions from 2 submitters: Uncertain significance (1). 1 of the submissions does not count toward it. Last evaluated 2024-05-22.

Conditions:
DNAH1-related disorder. Also called: DNAH1-related condition.
Spermatogenic failure 18. Identifiers: MedGen C4539783, MONDO:0054615, OMIM 617576.
Ciliary dyskinesia, primary, 37 (CILD37). Also called: CILIARY DYSKINESIA, PRIMARY, 37, WITH OR WITHOUT SITUS INVERSUS. Identifiers: MedGen C4539798, MONDO:0033204, OMIM 617577.

Allele frequency attached by ClinVar (database versions not stated): ExAC 0.00001; gnomAD 0.00001; gnomAD exomes 0.00004.
gnomAD v4.1: 53 of 1,613,806 alleles (0.0033%); highest among the groups gnomAD compares: Non-Finnish European, 0.0042%; no homozygotes.

Submissions (2):

Labcorp Genetics (formerly Invitae), Labcorp
Classification: Uncertain significance for Ciliary dyskinesia, primary, 37; Spermatogenic failure 18. Last evaluated: 2024-05-22. Review status: criteria provided, single submitter. Criteria: Invitae Variant Classification Sherloc (09022015). Collection method: clinical testing. Allele origin: germline.
Comment: This sequence change replaces arginine, which is basic and polar, with cysteine, which is neutral and slightly polar, at codon 2002 of the DNAH1 protein (p.Arg2002Cys). This variant is present in population databases (rs777783467, gnomAD 0.003%). This missense change has been observed in individual(s) with multiple morphological abnormalities of the sperm flagella (PMID: 33929677). In at least one individual the data is consistent with being in trans (on the opposite chromosome) from a pathogenic variant. ClinVar contains an entry for this variant (Variation ID: 2153057). Advanced modeling of protein sequence and biophysical properties (such as structural, functional, and spatial information, amino acid conservation, physicochemical variation, residue mobility, and thermodynamic stability) performed at Invitae indicates that this missense variant is expected to disrupt DNAH1 protein function with a positive predictive value of 80%. In summary, the available evidence is currently insufficient to determine the role of this variant in disease. Therefore, it has been classified as a Variant of Uncertain Significance.

PreventionGenetics, part of Exact Sciences
Classification: Uncertain significance for DNAH1-related condition. Last evaluated: 2023-11-15. Review status: no assertion criteria provided. Collection method: clinical testing. Allele origin: germline. Not counted in ClinVar's aggregate classification.
Comment: The DNAH1 c.6004C>T variant is predicted to result in the amino acid substitution p.Arg2002Cys. This variant has been reported in the compound heterozygous state in an individual with asthenozoospermia (Yu et al 2021. PubMed ID: 33929677). This variant is reported in 0.0031% of alleles in individuals of European (Non-Finnish) descent in gnomAD. At this time, the clinical significance of this variant is uncertain due to the absence of conclusive functional and genetic evidence.

Literature cited by the submitters: PubMed 33929677 (cited by Labcorp Genetics (formerly Invitae), Labcorp).